The following is an entry in ClinVar:

NM_022455.5(NSD1):c.3141del (p.Ala1047_Leu1048insTer)

Gene: NSD1 (nuclear receptor binding SET domain protein 1; plus strand). Cytogenetic location: 5q35.3.
Variant type: Deletion.
Coding change: c.3141del on transcript NM_022455.5 (MANE Select); coding-DNA position 3141, one base deleted (C; older notation c.3141delC).
Protein change: p.Ala1047_Leu1048insTer.
Molecular consequence: frameshift variant.
Genome position (GRCh38, 1-based): chr5:177,211,540, C deleted; the last of 2 consecutive C bases (chr5:177,211,539-177,211,540); deleting either gives the same sequence. VCF-style (leftmost placement, unchanged base first): chr5-177211538-GC-G. GRCh37 (hg19) VCF-style: chr5-176638539-GC-G.
Other names: c.2268del, p.Ala756_Leu757insTer (NM_001409308.1, NM_001409309.1, NM_172349.5 and 3 more transcripts); c.2721del, p.Ala907_Leu908insTer (NM_001409304.1); c.2388del, p.Ala796_Leu797insTer (NM_001409305.1); c.3141del, p.Ala1047_Leu1048insTer (NM_001409301.1, NM_001409302.1, NM_001409303.1).
Identifiers: ClinVar variation 3775543 (VCV003775543.1).

ClinVar aggregate classification (germline): Pathogenic (1 of 4 stars; one submission).

Conditions:
Sotos syndrome (SOTOS). Also called: CHROMOSOME 5q35 DELETION SYNDROME; SOTOS SYNDROME 1; CEREBRAL GIGANTISM; Sotos' syndrome; Distinctive facial appearance, overgrowth in childhood, and learning disabilities or delayed development. Identifiers: Orphanet 821, MedGen C0175695, MONDO:0019349, OMIM 117550.

Submission:

3billion
Classification: Pathogenic for Sotos syndrome. Last evaluated: 2023-12-04. Review status: criteria provided, single submitter. Criteria: ACMG Guidelines, 2015. Collection method: clinical testing. Allele origin: germline. Affected: yes.
Comment: The variant is not observed in the gnomAD v2.1.1 dataset. Predicted Consequence/Location: Stop-gained (nonsense): predicted to result in a loss or disruption of normal protein function through nonsense-mediated decay (NMD) or protein truncation. Multiple pathogenic variants are reported downstream of the variant. The variant has been reported to be associated with NSD1 related disorder (PMID: 14571271). Therefore, this variant is classified as Pathogenic according to the recommendation of ACMG/AMP guideline.

Literature cited by the submitters: PubMed 14571271.